The following is an entry in ClinVar:

ClinVar aggregate classification (germline): Uncertain significance. Review status: criteria provided, multiple submitters, no conflicts (2 of 4 stars). 2 submissions from 2 submitters: Uncertain significance (2). Last evaluated 2023-10-09.

Allele frequency attached by ClinVar (database versions not stated): TOPMed 0.00002.
gnomAD v4.1: 11 of 1,613,996 alleles (0.00068%); highest among the groups gnomAD compares: East Asian, 0.0067%; no homozygotes.

Submissions (2):

GeneDx
Classification: Uncertain significance. Last evaluated: 2023-10-09. Review status: criteria provided, single submitter. Criteria: GeneDx Variant Classification Process June 2021. Collection method: clinical testing. Allele origin: germline. Affected: yes.
Comment: In silico analysis supports that this missense variant has a deleterious effect on protein structure/function; Has not been previously published as pathogenic or benign to our knowledge

Labcorp Genetics (formerly Invitae), Labcorp
Classification: Uncertain significance. Last evaluated: 2021-08-24. Review status: criteria provided, single submitter. Criteria: Invitae Variant Classification Sherloc (09022015). Collection method: clinical testing. Allele origin: germline.
Comment: This sequence change replaces proline with serine at codon 891 of the COL9A1 protein (p.Pro891Ser). The proline residue is highly conserved and there is a moderate physicochemical difference between proline and serine. This variant is present in population databases (rs763970167, ExAC 0.002%). This variant has not been reported in the literature in individuals affected with COL9A1-related conditions. ClinVar contains an entry for this variant (Variation ID: 423620). Advanced modeling of protein sequence and biophysical properties (such as structural, functional, and spatial information, amino acid conservation, physicochemical variation, residue mobility, and thermodynamic stability) performed at Invitae indicates that this missense variant is not expected to disrupt COL9A1 protein function. In summary, the available evidence is currently insufficient to determine the role of this variant in disease. Therefore, it has been classified as a Variant of Uncertain Significance.

NM_001851.6(COL9A1):c.2671C>T (p.Pro891Ser)

Gene: COL9A1 (collagen type IX alpha 1 chain; minus strand). Cytogenetic location: 6q13.
Variant type: single nucleotide variant.
Coding change: c.2671C>T on transcript NM_001851.6 (MANE Select); coding-DNA position 2671, C replaced by T.
Protein change: p.Pro891Ser; replaces proline 891 with serine.
Molecular consequence: missense variant. On other transcripts: non-coding transcript variant (1).
Genome position (GRCh38, 1-based): chr6:70,216,992, G>A on the plus strand (C>T on the coding strand, the complement: COL9A1 is on the minus strand). VCF-style: chr6-70216992-G-A. GRCh37 (hg19) VCF-style: chr6-70926695-G-A.
Other names: c.1972C>T, p.Pro658Ser (NM_001377289.1); c.1795C>T, p.Pro599Ser (NM_001377290.1); c.1942C>T, p.Pro648Ser (NM_078485.4); short protein forms P891S, P648S, P599S, P658S.
Identifiers: ClinVar variation 423620 (VCV000423620.6), dbSNP rs763970167, ClinGen allele CA3881699.